The following is an entry in ClinVar:

ClinVar aggregate classification (germline): Benign. Review status: criteria provided, multiple submitters, no conflicts (2 of 4 stars). 3 submissions from 3 submitters: Benign (3). Last evaluated 2026-09-01.

Allele frequency attached by ClinVar (database versions not stated): 1000 Genomes Project 0.00319; 1000 Genomes Project 30x 0.00359; gnomAD 0.00580; TOPMed 0.00684; ESP Exome Variant Server 0.00761; gnomAD exomes 0.00777; ExAC 0.00890.
gnomAD v4.1: 15,857 of 1,613,158 alleles (0.98%); highest among the groups gnomAD compares: Non-Finnish European, 1.1%; 99 homozygotes.

Submissions (3):

CeGaT Center for Human Genetics Tuebingen
Classification: Benign. Last evaluated: 2026-09-01. Review status: criteria provided, single submitter. Criteria: CeGaT Center For Human Genetics Tuebingen Variant Classification Criteria Version 2. Collection method: clinical testing. Allele origin: germline. Affected: yes. Observed: 32 variant alleles.
Comment: UBE3B: BP4, BP7, BS1, BS2

Labcorp Genetics (formerly Invitae), Labcorp
Classification: Benign. Last evaluated: 2026-02-01. Review status: criteria provided, single submitter. Criteria: Invitae Variant Classification Sherloc (09022015). Collection method: clinical testing. Allele origin: germline.

Breakthrough Genomics
Classification: Benign. Review status: criteria provided, single submitter. Criteria: ACMG Guidelines, 2015. Collection method: not provided. Allele origin: germline. Inheritance: Autosomal recessive inheritance. Affected: yes.

NM_130466.4(UBE3B):c.1806C>T (p.Tyr602=)

Gene: UBE3B (ubiquitin protein ligase E3B; plus strand). Cytogenetic location: 12q24.11.
Variant type: single nucleotide variant.
Coding change: c.1806C>T on transcript NM_130466.4 (MANE Select); coding-DNA position 1806, C replaced by T.
Protein change: p.Tyr602=; no amino-acid change (tyrosine 602 retained).
Molecular consequence: synonymous variant.
Genome position (GRCh38, 1-based): chr12:109,510,408, C>T. VCF-style: chr12-109510408-C-T. GRCh37 (hg19) VCF-style: chr12-109948213-C-T.
Other names: c.1806C>T, p.Tyr602= (NM_183415.3).
Identifiers: ClinVar variation 697794 (VCV000697794.42), dbSNP rs61760194, ClinGen allele CA6777983.